The following is an entry in ClinVar:

NM_003072.5(SMARCA4):c.2439-10G>T

Gene: SMARCA4 (SWI/SNF related BAF chromatin remodeling complex subunit ATPase 4; plus strand). Cytogenetic location: 19p13.2.
Variant type: single nucleotide variant.
Coding change: c.2439-10G>T on transcript NM_003072.5 (MANE Select); 10 bases into the intron before coding-DNA position 2439, G replaced by T.
Molecular consequence: intron variant.
Genome position (GRCh38, 1-based): chr19:11,018,947, G>T. VCF-style: chr19-11018947-G-T. GRCh37 (hg19) VCF-style: chr19-11129623-G-T.
Other names: c.2439-10G>T (NM_001128844.3, NM_001128849.3, NM_001128847.4 and 5 more transcripts).
Identifiers: ClinVar variation 415173 (VCV000415173.11), dbSNP rs1060504469, ClinGen allele CA16616140.

ClinVar aggregate classification (germline): Conflicting classifications of pathogenicity. Review status: criteria provided, conflicting classifications (1 of 4 stars). 2 submissions from 2 submitters: Uncertain significance (1); Likely benign (1). Last evaluated 2024-02-22.

Conditions:
Rhabdoid tumor predisposition syndrome 2 (RTPS2). Identifiers: Orphanet 231108, Orphanet 69077, MedGen C2750074, MONDO:0013224, OMIM 613325.

Allele frequency attached by ClinVar (database versions not stated): gnomAD exomes below 0.00001.
gnomAD v4.1: 3 of 1,612,734 alleles (0.00019%); highest among the groups gnomAD compares: Non-Finnish European, 0.00025%; no homozygotes.

Submissions (2):

Labcorp Genetics (formerly Invitae), Labcorp
Classification: Likely benign for Rhabdoid tumor predisposition syndrome 2. Last evaluated: 2024-02-22. Review status: criteria provided, single submitter. Criteria: Invitae Variant Classification Sherloc (09022015). Collection method: clinical testing. Allele origin: germline.

Greenwood Genetic Center Diagnostic Laboratories, Greenwood Genetic Center
Classification: Uncertain significance. Last evaluated: 2022-07-18. Review status: criteria provided, single submitter. Criteria: ACMG Guidelines, 2015. Collection method: clinical testing. Allele origin: germline. Affected: yes.
Comment: PM2, BP4